The following is an entry in ClinVar:

ClinVar aggregate classification (germline): Uncertain significance (1 of 4 stars; one submission).

Conditions:
Fetal akinesia deformation sequence 1 (FADS1). Also called: Fetal akinesia sequence; Pena-Shokeir syndrome type I. Identifiers: Orphanet 994, MedGen C1276035, MONDO:0100101, OMIM 208150, HP:0001989.
Congenital myasthenic syndrome 9. Also called: Myasthenic syndrome, congenital, 9, associated with acetylcholine receptor deficiency. Identifiers: Orphanet 590, MedGen C4225368, MONDO:0014587, OMIM 616325.

Submission:

Labcorp Genetics (formerly Invitae), Labcorp
Classification: Uncertain significance for Congenital myasthenic syndrome 9; Fetal akinesia deformation sequence 1. Last evaluated: 2018-12-17. Review status: criteria provided, single submitter. Criteria: Invitae Variant Classification Sherloc (09022015). Collection method: clinical testing. Allele origin: germline.
Comment: In summary, the available evidence is currently insufficient to determine the role of this variant in disease. Therefore, it has been classified as a Variant of Uncertain Significance. Experimental studies and prediction algorithms are not available for this variant, and the functional significance of the affected amino acid(s) is currently unknown. This variant has not been reported in the literature in individuals with MUSK-related conditions. This variant is not present in population databases (ExAC no frequency). This variant, c.2263_2268del, results in the deletion of 2 amino acid(s) of the MUSK protein (p.Tyr755_Tyr756del), but otherwise preserves the integrity of the reading frame.

NM_005592.4(MUSK):c.2263_2268del (p.Tyr755_Tyr756del)

Gene: MUSK (muscle associated receptor tyrosine kinase; plus strand). Cytogenetic location: 9q31.3.
Variant type: Deletion.
Coding change: c.2263_2268del on transcript NM_005592.4 (MANE Select); coding-DNA positions 2263 to 2268, 6 bases deleted (TACTAC; older notation c.2263_2268delTACTAC).
Protein change: p.Tyr755_Tyr756del.
Molecular consequence: inframe deletion.
Genome position (GRCh38, 1-based): chr9:110,800,641-110,800,646, TACTAC deleted; deleting any 6 consecutive bases within chr9:110,800,639-110,800,646 gives the same sequence; the c. name uses the placement nearest the transcript's 3' end. VCF-style (leftmost placement, unchanged base first): chr9-110800638-GACTACT-G. GRCh37 (hg19) VCF-style: chr9-113562918-GACTACT-G.
Other names: c.2005_2010del, p.Tyr669_Tyr670del (NM_001166280.2); c.1975_1980del, p.Tyr659_Tyr660del (NM_001166281.2); c.1003_1008del, p.Tyr335_Tyr336del (NM_001369398.1).
Identifiers: ClinVar variation 650753 (VCV000650753.9), dbSNP rs1588054209, ClinGen allele CA915947123.